The following is an entry in ClinVar:

NM_014362.4(HIBCH):c.-48G>A

Gene: HIBCH (3-hydroxyisobutyryl-CoA hydrolase; minus strand). Cytogenetic location: 2q32.2.
Variant type: single nucleotide variant.
Coding change: c.-48G>A on transcript NM_014362.4 (MANE Select); 48 bases upstream of the start codon, G replaced by A.
Molecular consequence: 5 prime UTR variant.
Genome position (GRCh38, 1-based): chr2:190,319,798, C>T on the plus strand (G>A on the coding strand, the complement: HIBCH is on the minus strand). VCF-style: chr2-190319798-C-T. GRCh37 (hg19) VCF-style: chr2-191184524-C-T.
Other names: c.-48G>A (NM_198047.3).
Identifiers: ClinVar variation 379984 (VCV000379984.2), dbSNP rs3749022, ClinGen allele CA2027862.

ClinVar aggregate classification (germline): Benign. Review status: criteria provided, multiple submitters, no conflicts (2 of 4 stars). 2 submissions from 2 submitters: Benign (2). Last evaluated 2015-12-02.

Allele frequency attached by ClinVar (database versions not stated): 1000 Genomes Project 30x 0.53763; 1000 Genomes Project 0.54872; TOPMed 0.61392; gnomAD 0.63689; ESP Exome Variant Server 0.65633; ExAC 0.68431.
gnomAD v4.1: 1,187,503 of 1,590,246 alleles (75%); highest among the groups gnomAD compares: Non-Finnish European, 79%; 453,921 homozygotes.

Submissions (2):

GeneDx
Classification: Benign. Last evaluated: 2015-12-02. Review status: criteria provided, single submitter. Criteria: GeneDx Variant Classification (06012015). Collection method: clinical testing. Allele origin: germline. Affected: yes.
Comment: This variant is considered likely benign or benign based on one or more of the following criteria: it is a conservative change, it occurs at a poorly conserved position in the protein, it is predicted to be benign by multiple in silico algorithms, and/or has population frequency not consistent with disease.

Breakthrough Genomics
Classification: Benign. Review status: criteria provided, single submitter. Criteria: ACMG Guidelines, 2015. Collection method: not provided. Allele origin: germline. Inheritance: Autosomal recessive inheritance. Affected: yes.